The following is an entry in ClinVar:

ClinVar aggregate classification (germline): Uncertain significance (1 of 4 stars; one submission).

Submission:

GeneDx
Classification: Uncertain significance. Last evaluated: 2024-05-22. Review status: criteria provided, single submitter. Criteria: GeneDx Variant Classification Process June 2021. Collection method: clinical testing. Allele origin: germline. Affected: yes.
Comment: Not observed at significant frequency in large population cohorts (gnomAD); In silico analysis supports that this missense variant has a deleterious effect on protein structure/function; Has not been previously published as pathogenic or benign to our knowledge

NM_181672.3(OGT):c.1616A>G (p.His539Arg)

Gene: OGT (O-linked N-acetylglucosamine (GlcNAc) transferase; plus strand). Cytogenetic location: Xq13.1.
Variant type: single nucleotide variant.
Coding change: c.1616A>G on transcript NM_181672.3 (MANE Select); coding-DNA position 1616, A replaced by G.
Protein change: p.His539Arg; replaces histidine 539 with arginine.
Molecular consequence: missense variant.
Genome position (GRCh38, 1-based): chrX:71,559,280, A>G. VCF-style: chrX-71559280-A-G. GRCh37 (hg19) VCF-style: chrX-70779130-A-G.
Other names: c.1586A>G, p.His529Arg (NM_181673.3); short protein forms H529R, H539R.
Identifiers: ClinVar variation 3381301 (VCV003381301.1).